The following is an entry in ClinVar:

NM_000061.3(BTK):c.1300_1909-813del

Gene: BTK (Bruton tyrosine kinase; minus strand). Cytogenetic location: Xq22.1.
Variant type: Deletion.
Coding change: c.1300_1909-813del on transcript NM_000061.3 (MANE Select); coding-DNA position 1300 through 813 bases into the intron before coding-DNA position 1909, 6,065 bases deleted.
Molecular consequence: splice acceptor variant, splice donor variant.
Genome position (GRCh38, 1-based): chrX:101,350,769-101,356,833, 6,065 bases deleted. GRCh37 (hg19): chrX:100,605,757-100,611,821.
Other names: c.1402_2011-813del (NM_001287344.2); c.1038+1541_1381-813del (NM_001287345.2).
Identifiers: ClinVar variation 836009 (VCV000836009.1), ClinGen allele CA916081271.

ClinVar aggregate classification (germline): Likely pathogenic (1 of 4 stars; one submission).

Conditions:
X-linked agammaglobulinemia with growth hormone deficiency (IGHD3). Also called: FLEISHER SYNDROME; HYPOGAMMAGLOBULINEMIA AND ISOLATED GROWTH HORMONE DEFICIENCY, X-LINKED; IGHD III; Isolated growth hormone deficiency type 3; Growth hormone deficiency with hypogammaglobulinemia; AGAMMAGLOBULINEMIA AND ISOLATED GROWTH HORMONE DEFICIENCY, X-LINKED. Identifiers: Orphanet 231692, Orphanet 631, MedGen C0472813, MONDO:0010615, OMIM 307200.

Submission:

Labcorp Genetics (formerly Invitae), Labcorp
Classification: Likely pathogenic for X-linked agammaglobulinemia with growth hormone deficiency. Last evaluated: 2019-11-27. Review status: criteria provided, single submitter. Criteria: Invitae Variant Classification Sherloc (09022015). Collection method: clinical testing. Allele origin: germline.
Comment: This variant results in the deletion of exons 15-18 and part of exon 14 (c.1300_1909-813delinsTCACGTACAAG) of the BTK gene. While this is not anticipated to result in nonsense mediated decay, it likely alters RNA splicing and results in a disrupted protein product. This variant has been observed in individual(s) with clinical features of Bruton agammaglobulinemia (Invitae). This variant disrupts the p.Arg525 amino acid residue in BTK. Other variant(s) that disrupt this residue have been determined to be pathogenic (PMID: 9445504, 11742281, 19039656). This suggests that this residue is clinically significant, and that variants that disrupt this residue are likely to be disease-causing. In summary, the currently available evidence indicates that the variant is pathogenic, but additional data are needed to prove that conclusively. Therefore, this variant has been classified as Likely Pathogenic.

Literature cited by the submitters: PubMed 11742281; PubMed 9445504; PubMed 19039656.